The following is an entry in ClinVar:

NM_001492.6(GDF1):c.620_621delinsTT (p.Ala207Val)

Genes: CERS1 (ceramide synthase 1; minus strand), GDF1 (growth differentiation factor 1; minus strand). Cytogenetic location: 19p13.11.
Variant type: Indel.
Coding change: c.620_621delinsTT on transcript NM_001492.6 (MANE Select); coding-DNA positions 620 to 621, CC replaced by TT.
Protein change: p.Ala207Val; replaces alanine 207 with valine.
Molecular consequence: missense variant. On other transcripts: 3 prime UTR variant (2).
Genome position (GRCh38, 1-based): chr19:18,869,095-18,869,096, GG replaced by AA on the plus strand (CC replaced by TT on the coding strand, the reverse complement: GDF1 is on the minus strand). VCF-style: chr19-18869095-GG-AA. GRCh37 (hg19) VCF-style: chr19-18979904-GG-AA.
Other names: c.*1481_*1482delinsTT (NM_001387440.1); c.*889_*890delinsTT (NM_021267.5); c.620_621delinsTT, p.Ala207Val (NM_001387438.1); short protein forms A207V.
Identifiers: ClinVar variation 2630294 (VCV002630294.1), dbSNP rs2512953768, ClinGen allele CA2695198162.

ClinVar aggregate classification (germline): Uncertain significance (1 of 4 stars; one submission).

Conditions:
GDF1-related disorder. Also called: GDF1-related condition.

Submission:

PreventionGenetics, part of Exact Sciences
Classification: Uncertain significance for GDF1-related condition. Last evaluated: 2023-01-24. Review status: criteria provided, single submitter. Criteria: ACMG Guidelines, 2015. Collection method: clinical testing. Allele origin: germline.
Comment: The GDF1 c.620_621delinsTT variant is predicted to result in an in-frame deletion and insertion. To our knowledge, this variant has not been reported in the literature or in a large population database, indicating this variant is rare. At this time, the clinical significance of this variant is uncertain due to the absence of conclusive functional and genetic evidence.